The following is an entry in ClinVar:

NM_000492.4(CFTR):c.4324A>G (p.Ser1442Gly)

Genes: CFTR (CF transmembrane conductance regulator; plus strand), LOC111674477 (CFTR intron 23 enhancer; plus strand). Cytogenetic location: 7q31.2.
Variant type: single nucleotide variant.
Coding change: c.4324A>G on transcript NM_000492.4 (MANE Select); coding-DNA position 4324, A replaced by G.
Protein change: p.Ser1442Gly; replaces serine 1442 with glycine.
Molecular consequence: missense variant.
Genome position (GRCh38, 1-based): chr7:117,666,989, A>G. VCF-style: chr7-117666989-A-G. GRCh37 (hg19) VCF-style: chr7-117307043-A-G.
Other names: short protein forms S1442G.
Identifiers: ClinVar variation 2428644 (VCV002428644.3), dbSNP rs1793392982, ClinGen allele CA368984853.

ClinVar aggregate classification (germline): Uncertain significance (1 of 4 stars; one submission).

Allele frequency attached by ClinVar (database versions not stated): gnomAD exomes below 0.00001.
gnomAD v4.1: 2 of 1,614,070 alleles (0.00012%); highest among the groups gnomAD compares: Non-Finnish European, 0.00017%; no homozygotes.

Submission:

ARUP Laboratories, Molecular Genetics and Genomics, ARUP Laboratories
Classification: Uncertain significance. Last evaluated: 2022-06-24. Review status: criteria provided, single submitter. Criteria: ARUP Molecular Germline Variant Investigation Process 2021. Collection method: clinical testing. Allele origin: germline.
Comment: The CFTR c.4324A>G; p.Ser1442Gly variant (rs1793392982), to our knowledge, is not reported in the medical literature or gene specific databases. This variant is also absent from general population databases (Exome Variant Server, Genome Aggregation Database), indicating it is not a common polymorphism. The serine at codon 1442 is moderately conserved, and computational analyses are uncertain whether this variant is neutral or deleterious (REVEL: 0.302). Due to limited information, the clinical significance of the p.Ser1442Gly variant is uncertain at this time.